The following is an entry in ClinVar:

ClinVar aggregate classification (germline): Pathogenic (1 of 4 stars; one submission).

Submission:

ARUP Laboratories, Molecular Genetics and Genomics, ARUP Laboratories
Classification: Pathogenic. Last evaluated: 2023-08-25. Review status: criteria provided, single submitter. Criteria: ARUP Molecular Germline Variant Investigation Process 2024. Collection method: clinical testing. Allele origin: germline.
Comment: The SLC4A1 c.1915A>T; p.Lys639Ter variant, to our knowledge, is not reported in the medical literature or gene specific databases. This variant is absent from the Genome Aggregation Database, indicating it is not a common polymorphism. This variant induces an early termination codon and is predicted to result in a truncated protein or mRNA subject to nonsense-mediated decay. Based on available information, this variant is considered to be pathogenic.

NM_000342.4(SLC4A1):c.1915A>T (p.Lys639Ter)

Gene: SLC4A1 (solute carrier family 4 member 1 (Diego blood group); minus strand). Cytogenetic location: 17q21.31.
Variant type: single nucleotide variant.
Coding change: c.1915A>T on transcript NM_000342.4 (MANE Select); coding-DNA position 1915, A replaced by T.
Protein change: p.Lys639Ter; replaces lysine 639 with a stop codon.
Molecular consequence: nonsense.
Genome position (GRCh38, 1-based): chr17:44,254,638, T>A on the plus strand (A>T on the coding strand, the complement: SLC4A1 is on the minus strand). VCF-style: chr17-44254638-T-A. GRCh37 (hg19) VCF-style: chr17-42332006-T-A.
Other names: short protein forms K639*.
Identifiers: ClinVar variation 2921023 (VCV002921023.1), dbSNP rs2509962737, ClinGen allele CA399783463.
Genomic context (GRCh38, chr17:44,254,638, plus strand): 5'-ACTCGGAACGCAAGCCCAGTGGGTGGATGACCCAGCCCCGGGCTGAGGAGTTGGACACCT[T>A]GAAGCCATCAGGCACCGAGAGTTTCTGTGGGAGGGGGTAGCAGGTAAGAATGCCAAGGGC-3'